The following is an entry in ClinVar:

NM_002047.4(GARS1):c.880G>C (p.Gly294Arg)

Gene: GARS1 (glycyl-tRNA synthetase 1; plus strand). Cytogenetic location: 7p14.3.
Variant type: single nucleotide variant.
Coding change: c.880G>C on transcript NM_002047.4 (MANE Select); coding-DNA position 880, G replaced by C.
Protein change: p.Gly294Arg; replaces glycine 294 with arginine.
Molecular consequence: missense variant.
Genome position (GRCh38, 1-based): chr7:30,609,729, G>C. VCF-style: chr7-30609729-G-C. GRCh37 (hg19) VCF-style: chr7-30649345-G-C.
Other names: c.718G>C, p.Gly240Arg (NM_001316772.1); short protein forms G240R, G294R.
Identifiers: ClinVar variation 9204 (VCV000009204.22), dbSNP rs137852643, ClinGen allele CA254704.

ClinVar aggregate classification (germline): Pathogenic/Likely pathogenic. Review status: criteria provided, multiple submitters, no conflicts (2 of 4 stars). 8 submissions from 8 submitters: Pathogenic (3); Likely pathogenic (1). 4 of the submissions do not count toward it. Last evaluated 2025-01-13.

Conditions:
Charcot-Marie-Tooth disease. Also called: Charcot-Marie-Tooth Neuropathy; Charcot-Marie-Tooth Hereditary Neuropathy. Identifiers: Orphanet 166, MedGen C0007959, MONDO:0015626.
Charcot-Marie-Tooth disease type 2. Also called: Charcot-Marie-Tooth type 2. Identifiers: Orphanet 64746, MedGen C0270914, MONDO:0018993.
Charcot-Marie-Tooth disease type 2D (CMT2D). Also called: Charcot-Marie-Tooth Neuropathy Type 2D; CHARCOT-MARIE-TOOTH DISEASE, AXONAL, TYPE 2D; GARS1 Adolescent- or Early Adult-Onset Hereditary Motor/Sensory Neuropathy (GARS1-HMSN); CHARCOT-MARIE-TOOTH DISEASE, NEURONAL, TYPE 2D. Identifiers: Orphanet 99938, MedGen C1832274, MONDO:0011091, OMIM 601472.

Allele frequency attached by ClinVar (database versions not stated): gnomAD exomes below 0.00001.
gnomAD v4.1: 1 of 1,612,822 alleles (0.000062%); highest among the groups gnomAD compares: Non-Finnish European, 0.000085%; no homozygotes.

Submissions (8):

Women's Health and Genetics/Laboratory Corporation of America, LabCorp
Classification: Pathogenic for Charcot-Marie-Tooth disease type 2D. Last evaluated: 2025-01-13. Review status: criteria provided, single submitter. Criteria: LabCorp Variant Classification Summary - May 2015. Collection method: clinical testing. Allele origin: germline.
Comment: Variant summary: GARS1 c.880G>C (p.Gly294Arg) results in a non-conservative amino acid change located in the GlyRS-like_core domain (IPR033731) of the encoded protein sequence. Five of five in-silico tools predict a damaging effect of the variant on protein function. Consensus agreement among computation tools predict no significant impact on normal splicing. However, these predictions have yet to be confirmed by functional studies. The variant allele was found at a frequency of 4e-06 in 249268 control chromosomes. c.880G>C has been reported in the literature in multiple individuals affected with Charcot-Marie-Tooth disease type 2D (example, Sivakumar_2005). These data indicate that the variant is very likely to be associated with disease. At least one publication reports experimental evidence evaluating an impact on protein function. The most pronounced variant effect results in completely disruption of heterodimer formation in N2a cells (Nangle_2007). The following publications have been ascertained in the context of this evaluation (PMID: 17595294, 16014653). ClinVar contains an entry for this variant (Variation ID: 9204). Based on the evidence outlined above, the variant was classified as pathogenic.

Labcorp Genetics (formerly Invitae), Labcorp
Classification: Pathogenic for Charcot-Marie-Tooth disease type 2. Last evaluated: 2024-10-20. Review status: criteria provided, single submitter. Criteria: Invitae Variant Classification Sherloc (09022015). Collection method: clinical testing. Allele origin: germline.
Comment: This sequence change replaces glycine, which is neutral and non-polar, with arginine, which is basic and polar, at codon 294 of the GARS protein (p.Gly294Arg). This variant is present in population databases (rs137852643, gnomAD 0.0009%). This missense change has been observed in individuals with Charcot-Marie-Tooth disease (PMID: 8872480, 10732809, 12690580; internal data). It has also been observed to segregate with disease in related individuals. ClinVar contains an entry for this variant (Variation ID: 9204). Invitae Evidence Modeling of protein sequence and biophysical properties (such as structural, functional, and spatial information, amino acid conservation, physicochemical variation, residue mobility, and thermodynamic stability) indicates that this missense variant is expected to disrupt GARS protein function with a positive predictive value of 95%. Experimental studies have shown that this missense change affects GARS function (PMID: 17035524, 17595294, 21737751, 26138142, 26503042, 27008886). For these reasons, this variant has been classified as Pathogenic.

GeneDx
Classification: Pathogenic. Last evaluated: 2023-12-18. Review status: criteria provided, single submitter. Criteria: GeneDx Variant Classification Process June 2021. Collection method: clinical testing. Allele origin: germline. Affected: yes.
Comment: Published functional studies demonstrate impaired enzyme activity, dimer instability, and inappropriate ligand binding (PMID: 17595294, 21737751, 26503042); In silico analysis supports that this missense variant has a deleterious effect on protein structure/function; Not observed at significant frequency in large population cohorts (gnomAD); This variant is associated with the following publications: (PMID: 10732809, 21737751, 25168514, 25476837, 17595294, 17035524, 8872480, 26503042, 27008886, 29520015, 12690580)

Ambry Genetics
Classification: Likely pathogenic. Last evaluated: 2023-11-20. Review status: criteria provided, single submitter. Criteria: Ambry Variant Classification Scheme 2023. Collection method: clinical testing. Allele origin: germline.
Comment: The c.880G>C (p.G294R) alteration is located in exon 7 (coding exon 7) of the GARS gene. This alteration results from a G to C substitution at nucleotide position 880, causing the glycine (G) at amino acid position 294 to be replaced by an arginine (R)._x000D_ _x000D_ for autosomal dominant GARS1-related axonal neuropathy; however, its clinical significance for autosomal recessive Cytoplasmic and mitochondrial glycyl-tRNA synthetase deficiency is uncertain. Based on data from gnomAD, the C allele has an overall frequency of <0.001% (1/249268) total alleles studied. The highest observed frequency was 0.001% (1/113114) of European (non-Finnish) alleles. This alteration has been detected in the heterozygous state in multiple individuals with clinical features of GARS1-related axonal neuropathy (Antonellis, 2003; External communication). This amino acid position is highly conserved in available vertebrate species. Based on internal structural analysis, G294R is deleterious and is highly destabilizing to the local structure (Ambry internal data). In multiple assays testing GARS function, this variant showed functionally abnormal results (Antonellis, 2006; Nangle, 2007; He, 2011; He, 2015; Niehues, 2015; Malissovas, 2016; Mo, 2018; Cui, 2023). This alteration is predicted to be deleterious by in silico analysis. Based on the available evidence, this alteration is classified as likely pathogenic.

Inherited Neuropathy Consortium Ii, University Of Miami
Classification: Uncertain significance for Charcot-Marie-Tooth disease type 2D. Last evaluated: 2016-01-06. Review status: no assertion criteria provided. Collection method: literature only. Allele origin: germline. Affected: yes. Not counted in ClinVar's aggregate classification.

OMIM
Classification: Pathogenic for CHARCOT-MARIE-TOOTH DISEASE, AXONAL, TYPE 2D. Last evaluated: 2003-05-01. Review status: no assertion criteria provided. Collection method: literature only. Allele origin: germline. Not counted in ClinVar's aggregate classification.

GeneReviews
No classification provided. Condition: Charcot-Marie-Tooth disease type 2D. Review status: no classification provided. Collection method: literature only. Allele origin: germline. Not counted in ClinVar's aggregate classification.
Comment: GARS1-HMSN (CMT2D) [Antonellis et al 2003, He et al 2015, Malissovas et al 2016]

Inherited Neuropathy Consortium
Classification: Uncertain significance for Charcot-Marie-Tooth disease. Review status: no assertion criteria provided. Collection method: literature only. Allele origin: germline. Affected: yes. Not counted in ClinVar's aggregate classification.

Literature cited by the submitters: PubMed 17595294 (cited by 3 submitters); PubMed 16014653 (cited by Women's Health and Genetics/Laboratory Corporation of America, LabCorp); PubMed 8872480 (cited by Labcorp Genetics (formerly Invitae), Labcorp and OMIM); PubMed 10732809 (cited by Labcorp Genetics (formerly Invitae), Labcorp and OMIM); PubMed 12690580 (cited by 6 submitters); PubMed 17035524 (cited by Labcorp Genetics (formerly Invitae), Labcorp and Ambry Genetics); PubMed 21737751 (cited by Labcorp Genetics (formerly Invitae), Labcorp and Ambry Genetics); PubMed 26138142 (cited by Labcorp Genetics (formerly Invitae), Labcorp and Ambry Genetics); PubMed 26503042 (cited by 3 submitters); PubMed 27008886 (cited by 3 submitters); PubMed 29520015 (cited by Ambry Genetics); PubMed 36738734 (cited by Ambry Genetics); PubMed 20301420 (cited by GeneReviews).